The following is an entry in ClinVar:

NM_003803.4(MYOM1):c.481G>A (p.Glu161Lys)

Gene: MYOM1 (myomesin 1; minus strand). Cytogenetic location: 18p11.31.
Variant type: single nucleotide variant.
Coding change: c.481G>A on transcript NM_003803.4 (MANE Select); coding-DNA position 481, G replaced by A.
Protein change: p.Glu161Lys; replaces glutamic acid 161 with lysine.
Molecular consequence: missense variant.
Genome position (GRCh38, 1-based): chr18:3,189,038, C>T on the plus strand (G>A on the coding strand, the complement: MYOM1 is on the minus strand). VCF-style: chr18-3189038-C-T. GRCh37 (hg19) VCF-style: chr18-3189036-C-T.
Other names: c.481G>A, p.Glu161Lys (NM_019856.2); short protein forms E161K.
Identifiers: ClinVar variation 861743 (VCV000861743.10), dbSNP rs914532145, ClinGen allele CA295517760.

ClinVar aggregate classification (germline): Uncertain significance. Review status: criteria provided, multiple submitters, no conflicts (2 of 4 stars). 2 submissions from 2 submitters: Uncertain significance (2). Last evaluated 2024-07-28.

Conditions:
Hypertrophic cardiomyopathy. Also called: HYPERTROPHIC MYOCARDIOPATHY. Identifiers: Orphanet 217569, MedGen C0007194, MeSH D002312, MONDO:0005045, HP:0001639.

Allele frequency attached by ClinVar (database versions not stated): gnomAD exomes 0.00001; TOPMed 0.00001.
gnomAD v4.1: 33 of 1,613,588 alleles (0.002%); highest among the groups gnomAD compares: Admixed American, 0.005%; no homozygotes.

Submissions (2):

Ambry Genetics
Classification: Uncertain significance. Last evaluated: 2024-07-28. Review status: criteria provided, single submitter. Criteria: Ambry Variant Classification Scheme 2023. Collection method: clinical testing. Allele origin: germline.
Comment: The p.E161K variant (also known as c.481G>A), located in coding exon 3 of the MYOM1 gene, results from a G to A substitution at nucleotide position 481. The glutamic acid at codon 161 is replaced by lysine, an amino acid with similar properties. This amino acid position is conserved. In addition, the in silico prediction for this alteration is inconclusive. Since supporting evidence is limited at this time, the clinical significance of this alteration remains unclear.

Labcorp Genetics (formerly Invitae), Labcorp
Classification: Uncertain significance for Hypertrophic cardiomyopathy. Last evaluated: 2022-03-09. Review status: criteria provided, single submitter. Criteria: Invitae Variant Classification Sherloc (09022015). Collection method: clinical testing. Allele origin: germline.
Comment: This variant has not been reported in the literature in individuals affected with MYOM1-related conditions. This variant is present in population databases (no rsID available, gnomAD 0.009%). This sequence change replaces glutamic acid, which is acidic and polar, with lysine, which is basic and polar, at codon 161 of the MYOM1 protein (p.Glu161Lys). ClinVar contains an entry for this variant (Variation ID: 861743). In summary, the available evidence is currently insufficient to determine the role of this variant in disease. Therefore, it has been classified as a Variant of Uncertain Significance. Algorithms developed to predict the effect of missense changes on protein structure and function are either unavailable or do not agree on the potential impact of this missense change (SIFT: "Deleterious"; PolyPhen-2: "Benign"; Align-GVGD: "Class C0").